The following is an entry in ClinVar:

ClinVar aggregate classification (germline): Benign. Review status: criteria provided, multiple submitters, no conflicts (2 of 4 stars). 4 submissions from 4 submitters: Benign (4). Last evaluated 2026-02-01.

Conditions:
Retinitis pigmentosa (RP). Identifiers: Orphanet 791, MedGen C0035334, MeSH D012174, MONDO:0019200, OMIM 268000. Inheritance: Autosomal dominant, autosomal recessive and X linked inheritance.

Allele frequency attached by ClinVar (database versions not stated): gnomAD exomes 0.00153 and 0.00342; ExAC 0.00547; 1000 Genomes Project 0.01338; gnomAD 0.01359 and 0.01449; 1000 Genomes Project 30x 0.01374; TOPMed 0.01475; ESP Exome Variant Server 0.01694.
gnomAD v4.1: 4,383 of 1,610,066 alleles (0.27%); highest among the groups gnomAD compares: African/African-American, 4.8%; 104 homozygotes.

Submissions (4):

Labcorp Genetics (formerly Invitae), Labcorp
Classification: Benign. Last evaluated: 2026-02-01. Review status: criteria provided, single submitter. Criteria: Invitae Variant Classification Sherloc (09022015). Collection method: clinical testing. Allele origin: germline.

Blueprint Genetics
Classification: Benign. Last evaluated: 2024-11-21. Review status: criteria provided, single submitter. Criteria: ACMG Guidelines, 2015. Collection method: clinical testing. Allele origin: germline.

Illumina Laboratory Services, Illumina
Classification: Benign for Retinitis pigmentosa. Last evaluated: 2018-01-12. Review status: criteria provided, single submitter. Criteria: ICSL Variant Classification Criteria 13 December 2019. Collection method: clinical testing. Allele origin: germline.
Comment: This variant was observed in the ICSL laboratory as part of a predisposition screen in an ostensibly healthy population. It had not been previously curated by ICSL or reported in the Human Gene Mutation Database (HGMD: prior to June 1st, 2018), and was therefore a candidate for classification through an automated scoring system. Utilizing variant allele frequency, disease prevalence and penetrance estimates, and inheritance mode, an automated score was calculated to assess if this variant is too frequent to cause the disease. Based on the score and internal cut-off values, a variant classified as benign is not then subjected to further curation. The score for this variant resulted in a classification of benign for this disease.

Breakthrough Genomics
Classification: Benign. Review status: criteria provided, single submitter. Criteria: ACMG Guidelines, 2015. Collection method: not provided. Allele origin: germline. Inheritance: Autosomal dominant inheritance. Affected: yes.

NM_015629.4(PRPF31):c.1302A>G (p.Val434=)

Gene: PRPF31 (pre-mRNA processing factor 31; plus strand). Cytogenetic location: 19q13.42.
Variant type: single nucleotide variant.
Coding change: c.1302A>G on transcript NM_015629.4 (MANE Select); coding-DNA position 1302, A replaced by G.
Protein change: p.Val434=; no amino-acid change (valine 434 retained).
Molecular consequence: synonymous variant.
Genome position (GRCh38, 1-based): chr19:54,129,298, A>G. VCF-style: chr19-54129298-A-G. GRCh37 (hg19) VCF-style: chr19-54632673-A-G.
Identifiers: ClinVar variation 330109 (VCV000330109.15), dbSNP rs35230170, ClinGen allele CA309330877.